The following is an entry in ClinVar:

ClinVar aggregate classification (germline): Benign/Likely benign (0 of 4 stars; one submission).

Submission:

ISCA site 4
Classification: Benign/Likely benign. Last evaluated: 2012-09-21. Review status: no assertion criteria provided. Collection method: clinical testing. Allele origin: unknown. Affected: yes. Observed: 3 variant alleles. Clinical features observed: Developmental delay AND/OR other significant developmental or morphological phenotypes, Delayed speech and language development (HP:0000750), Muscular hypotonia (HP:0001252).
Comment: Likely benign (1), Benign (2)

Copy number variation identified through the course of routine clinical cytogenomic testing in postnatal populations, with clinical assertions as classified by the original submitter.

GRCh38/hg38 15q11.2(chr15:22787833-23066575)x3

Genes: CYFIP1 (cytoplasmic FMR1 interacting protein 1; minus strand), NIPA1 (NIPA magnesium transporter 1; plus strand), NIPA2 (NIPA magnesium transporter 2; plus strand), TUBGCP5 (tubulin gamma complex component 5; minus strand), LOC112272575 (Sharpr-MPRA regulatory region 8478; plus strand) and 7 more. Cytogenetic location: 15q11.2.
Variant type: copy number gain.
Change: copy number 3 (three copies instead of two) of chr15:22,787,833-23,066,575 (278.7 kb, GRCh38 coordinates, 1-based), cytogenetic band 15q11.2.
Identifiers: ClinVar variation 146736 (VCV000146736.2).